The following is an entry in ClinVar:

ClinVar aggregate classification (germline): Conflicting classifications of pathogenicity. Review status: criteria provided, conflicting classifications (1 of 4 stars). 4 submissions from 4 submitters: Pathogenic (1); Uncertain significance (3). Last evaluated 2025-04-08.

Conditions:
Cognitive impairment with or without cerebellar ataxia (CIAT). Identifiers: MedGen C3280415, MONDO:0013680, OMIM 614306.
Early-infantile DEE. Also called: Early infantile epileptic encephalopathy; Early infantile epileptic encephalopathy with suppression bursts; Ohtahara syndrome. Identifiers: Orphanet 1934, MedGen C0393706, MONDO:0800491.
Developmental and epileptic encephalopathy, 13 (DEE13). Also called: SCN8A-Related Epilepsy; Developmental and Epileptic Encephalopathy (SCN8A-DEE); Early infantile epileptic encephalopathy 13. Identifiers: Orphanet 442835, MedGen C3281191, MONDO:0013801, OMIM 614558.

Submissions (4):

Labcorp Genetics (formerly Invitae), Labcorp
Classification: Uncertain significance for Early-infantile DEE. Last evaluated: 2025-04-08. Review status: criteria provided, single submitter. Criteria: Invitae Variant Classification Sherloc (09022015). Collection method: clinical testing. Allele origin: germline.
Comment: This sequence change replaces arginine, which is basic and polar, with histidine, which is basic and polar, at codon 365 of the SCN8A protein (p.Arg365His). This variant is not present in population databases (gnomAD no frequency). This variant has not been reported in the literature in individuals affected with SCN8A-related conditions. ClinVar contains an entry for this variant (Variation ID: 642664). Invitae Evidence Modeling of protein sequence and biophysical properties (such as structural, functional, and spatial information, amino acid conservation, physicochemical variation, residue mobility, and thermodynamic stability) indicates that this missense variant is expected to disrupt SCN8A protein function with a positive predictive value of 95%. In summary, the available evidence is currently insufficient to determine the role of this variant in disease. Therefore, it has been classified as a Variant of Uncertain Significance.

GeneDx
Classification: Uncertain significance. Last evaluated: 2023-09-11. Review status: criteria provided, single submitter. Criteria: GeneDx Variant Classification Process June 2021. Collection method: clinical testing. Allele origin: germline. Affected: yes.
Comment: Has not been previously published as pathogenic or benign to our knowledge; Not observed at significant frequency in large population cohorts (gnomAD); In silico analysis supports that this missense variant has a deleterious effect on protein structure/function; This substitution is predicted to be within the pore forming loop between the S5 and S6 transmembrane segments of the first homologous domain; Missense variants in this gene are often considered pathogenic (HGMD); This variant is associated with the following publications: (PMID: 27535533)

Institute of Human Genetics, University of Leipzig Medical Center
Classification: Uncertain significance for Developmental and epileptic encephalopathy, 13. Last evaluated: 2023-03-03. Review status: criteria provided, single submitter. Criteria: ACMG Guidelines, 2015. Collection method: clinical testing. Allele origin: unknown. Affected: yes.
Comment: _x000D_ Criteria applied: PS4_SUP, PM2_SUP, PP3

Mendelics
Classification: Pathogenic for Cognitive impairment with or without cerebellar ataxia. Last evaluated: 2022-05-04. Review status: criteria provided, single submitter. Criteria: Mendelics Assertion Criteria 2019. Collection method: clinical testing. Allele origin: germline.

NM_001330260.2(SCN8A):c.1094G>A (p.Arg365His)

Gene: SCN8A (sodium voltage-gated channel alpha subunit 8; plus strand). Cytogenetic location: 12q13.13.
Variant type: single nucleotide variant.
Coding change: c.1094G>A on transcript NM_001330260.2 (MANE Select); coding-DNA position 1094, G replaced by A.
Protein change: p.Arg365His; replaces arginine 365 with histidine.
Molecular consequence: missense variant.
Genome position (GRCh38, 1-based): chr12:51,702,874, G>A. VCF-style: chr12-51702874-G-A. GRCh37 (hg19) VCF-style: chr12-52096658-G-A.
Other names: c.1094G>A, p.Arg365His (NM_001177984.3, NM_001369788.1, NM_014191.4); short protein forms R365H.
Identifiers: ClinVar variation 642664 (VCV000642664.14), dbSNP rs1592390511, ClinGen allele CA385227268.